The following is an entry in ClinVar:

ClinVar aggregate classification (germline): Conflicting classifications of pathogenicity. Review status: criteria provided, conflicting classifications (1 of 4 stars). 4 submissions from 4 submitters: Uncertain significance (2); Likely benign (1). 1 of the submissions does not count toward it. Last evaluated 2024-03-16.

Conditions:
ABCC2-related disorder. Also called: ABCC2-related condition.
Dubin-Johnson syndrome (DJS). Also called: HYPERBILIRUBINEMIA, DUBIN-JOHNSON TYPE; Hyperbilirubinemia type 2; Jaundice, Chronic Idiopathic. Identifiers: Orphanet 234, MedGen C0022350, MONDO:0009380, OMIM 237500.

Allele frequency attached by ClinVar (database versions not stated): 1000 Genomes Project 30x 0.00016; TOPMed 0.00019; 1000 Genomes Project 0.00020.
gnomAD v4.1: 254 of 1,614,020 alleles (0.016%); highest among the groups gnomAD compares: Middle Eastern, 0.033%; no homozygotes.

Submissions (4):

Labcorp Genetics (formerly Invitae), Labcorp
Classification: Likely benign. Last evaluated: 2024-03-16. Review status: criteria provided, single submitter. Criteria: Invitae Variant Classification Sherloc (09022015). Collection method: clinical testing. Allele origin: germline.

Eurofins Ntd Llc (ga)
Classification: Uncertain significance. Last evaluated: 2018-08-14. Review status: criteria provided, single submitter. Criteria: EGL ClinVar v180209 classification definitions. Collection method: clinical testing. Allele origin: germline. Observed: 1 variant allele, 1 heterozygote.

Illumina Laboratory Services, Illumina
Classification: Uncertain significance for Dubin-Johnson syndrome. Last evaluated: 2017-04-27. Review status: criteria provided, single submitter. Criteria: ICSL Variant Classification Criteria 13 December 2019. Collection method: clinical testing. Allele origin: germline.
Comment: This variant was observed as part of a predisposition screen in an ostensibly healthy population. A literature search was performed for the gene, cDNA change, and amino acid change (where applicable). Publications were found based on this search. However, the evidence from the literature, in combination with allele frequency data from public databases where available, was not sufficient to rule this variant in or out of causing disease. Therefore, this variant is classified as a variant of unknown significance.

PreventionGenetics, part of Exact Sciences
Classification: Likely benign for ABCC2-related condition. Last evaluated: 2022-06-03. Review status: no assertion criteria provided. Collection method: clinical testing. Allele origin: germline. Not counted in ClinVar's aggregate classification.
Comment: This variant is classified as likely benign based on ACMG/AMP sequence variant interpretation guidelines (Richards et al. 2015 PMID: 25741868, with internal and published modifications).

Literature cited by the submitters: PubMed 18673259 (cited by Illumina Laboratory Services, Illumina).

NM_000392.5(ABCC2):c.1434G>A (p.Ala478=)

Gene: ABCC2 (ATP binding cassette subfamily C member 2; plus strand). Cytogenetic location: 10q24.2.
Variant type: single nucleotide variant.
Coding change: c.1434G>A on transcript NM_000392.5 (MANE Select); coding-DNA position 1434, G replaced by A.
Protein change: p.Ala478=; no amino-acid change (alanine 478 retained).
Molecular consequence: synonymous variant.
Genome position (GRCh38, 1-based): chr10:99,804,243, G>A. VCF-style: chr10-99804243-G-A. GRCh37 (hg19) VCF-style: chr10-101564000-G-A.
Other names: c.1434G>A, p.Ala478= (LRG_1208t1); c.1434G>A (NM_000392.4).
Identifiers: ClinVar variation 598397 (VCV000598397.15), dbSNP rs4267009, ClinGen allele CA5643170.